The following is an entry in ClinVar:

NM_024675.4(PALB2):c.2502T>C (p.His834=)

Gene: PALB2 (partner and localizer of BRCA2; minus strand). Cytogenetic location: 16p12.2.
Variant type: single nucleotide variant.
Coding change: c.2502T>C on transcript NM_024675.4 (MANE Select); coding-DNA position 2502, T replaced by C.
Protein change: p.His834=; no amino-acid change (histidine 834 retained).
Molecular consequence: synonymous variant.
Genome position (GRCh38, 1-based): chr16:23,629,652, A>G on the plus strand (T>C on the coding strand, the complement: PALB2 is on the minus strand). VCF-style: chr16-23629652-A-G. GRCh37 (hg19) VCF-style: chr16-23640973-A-G.
Identifiers: ClinVar variation 415977 (VCV000415977.12), dbSNP rs1060504703, ClinGen allele CA16615235.
Genomic context (GRCh38, chr16:23,629,652, plus strand): 5'-GGCATTTCATTCCTTCAGAGAAAATTTCACAGAGGAAATGGATTGTACCTGTTCGACGGA[A>G]TGTTTATGCAGCTCCTGGCATGTGTTTCTACAGAGCTGATTTTCTTTAAAAGTGAATGAC-3'
Protein context (NP_078951.2, residues 824-844): CRNTCQELHK[His834=]SVEQTETAEL

ClinVar aggregate classification (germline): Benign/Likely benign. Review status: criteria provided, multiple submitters, no conflicts (2 of 4 stars). 2 submissions from 2 submitters: Benign (1); Likely benign (1). Last evaluated 2025-01-16.

Conditions:
Familial cancer of breast. Also called: Hereditary breast cancer; BREAST CANCER, FAMILIAL; hereditary breast carcinoma. Identifiers: Orphanet 227535, MedGen C0346153, MONDO:0016419, OMIM 114480. Disease mechanism: loss of function.

Allele frequency attached by ClinVar (database versions not stated): gnomAD exomes below 0.00001.
gnomAD v4.1: 1 of 1,614,094 alleles (0.000062%); highest among the groups gnomAD compares: Non-Finnish European, 0.000085%; no homozygotes.

Submissions (2):

Myriad Genetics, Inc.
Classification: Benign for Familial cancer of breast. Last evaluated: 2025-01-16. Review status: criteria provided, single submitter. Criteria: Myriad Autosomal Dominant, Autosomal Recessive and X-Linked Classification Criteria (2023). Collection method: clinical testing. Allele origin: unknown.
Comment: This variant is considered benign. This variant is a silent/synonymous amino acid change and it is not expected to impact splicing.

Labcorp Genetics (formerly Invitae), Labcorp
Classification: Likely benign for Familial cancer of breast. Last evaluated: 2016-12-24. Review status: criteria provided, single submitter. Criteria: Invitae Variant Classification Sherloc (09022015). Collection method: clinical testing. Allele origin: germline.